The following is an entry in ClinVar:

NC_000023.10:g.(107683437_107782975)_(107834875_107838738)del

Gene: COL4A5 (collagen type IV alpha 5 chain; plus strand). Cytogenetic location: Xq22.3.
Variant type: Deletion.
Identifiers: ClinVar variation 1878406 (VCV001878406.1).

ClinVar aggregate classification (germline): Likely pathogenic (1 of 4 stars; one submission).

Conditions:
X-linked Alport syndrome (ATS1). Also called: NEPHROPATHY AND DEAFNESS, X-LINKED; COL4A5-Related Nephropathy. Identifiers: Orphanet 63, Orphanet 88917, MedGen C4746986, MONDO:0010520, OMIM 301050.

Submission:

Women's Health and Genetics/Laboratory Corporation of America, LabCorp
Classification: Likely pathogenic for X-linked Alport syndrome. Last evaluated: 2022-12-29. Review status: criteria provided, single submitter. Criteria: LabCorp Variant Classification Summary - May 2015. Collection method: clinical testing. Allele origin: germline.
Comment: Variant summary: The variant identified by MLPA or other technology involves the deletion of exons 2-21 in the COL4A5 gene. A presumed nomenclature of c.(81+1_82-1)_(1423+1_1424-1)del has been designated for the purposes of this classification. Although exact breakpoints of this deletion are not known, it is expected to result in a frameshift in the COL4A5 gene, a known mechanism of disease. The variant was absent in 16120 control chromosomes (gnomAD, structural variants dataset). To our knowledge, no occurrence of c.(81+1_82-1)_(1423+1_1424-1)del in individuals affected with Alport Syndrome and no experimental evidence demonstrating its impact on protein function have been reported in the literature. No clinical diagnostic laboratories have submitted clinical-significance assessments for this variant to ClinVar after 2014. Based on the evidence outlined above, the variant was classified as likely pathogenic.